The following is an entry in ClinVar:

NM_001903.5(CTNNA1):c.559C>G (p.Leu187Val)

Gene: CTNNA1 (catenin alpha 1; plus strand). Cytogenetic location: 5q31.2.
Variant type: single nucleotide variant.
Coding change: c.559C>G on transcript NM_001903.5 (MANE Select); coding-DNA position 559, C replaced by G.
Protein change: p.Leu187Val; replaces leucine 187 with valine.
Molecular consequence: missense variant.
Genome position (GRCh38, 1-based): chr5:138,812,273, C>G. VCF-style: chr5-138812273-C-G. GRCh37 (hg19) VCF-style: chr5-138147962-C-G.
Other names: c.559C>G, p.Leu187Val (NM_001290307.3, NM_001323982.2, NM_001323983.1 and 3 more transcripts); c.250C>G, p.Leu84Val (NM_001290309.3); c.190C>G, p.Leu64Val (NM_001290310.3); short protein forms L64V, L84V, L187V.
Identifiers: ClinVar variation 942813 (VCV000942813.9), dbSNP rs1758900525, ClinGen allele CA361125523.
Genomic context (GRCh38, chr5:138,812,273, plus strand): 5'-GCTGGCAATGAACAAGACTTAGGAATCCAGTATAAAGCCCTAAAACCTGAAGTGGATAAG[C>G]TGAACATTATGGCAGCCAAAAGACAACAGGTACAGTCATGATTTGGGGATATATTAAAGT-3'
Protein context (NP_001894.2, residues 177-197): YKALKPEVDK[Leu187Val]NIMAAKRQQE

ClinVar aggregate classification (germline): Uncertain significance (1 of 4 stars; one submission).

Allele frequency attached by ClinVar (database versions not stated): gnomAD exomes below 0.00001.
gnomAD v4.1: 1 of 1,613,738 alleles (0.000062%); highest among the groups gnomAD compares: East Asian, 0.0022%; no homozygotes.

Submission:

Labcorp Genetics (formerly Invitae), Labcorp
Classification: Uncertain significance. Last evaluated: 2025-12-28. Review status: criteria provided, single submitter. Criteria: Invitae Variant Classification Sherloc (09022015). Collection method: clinical testing. Allele origin: germline.
Comment: This sequence change replaces leucine, which is neutral and non-polar, with valine, which is neutral and non-polar, at codon 187 of the CTNNA1 protein (p.Leu187Val). This variant is not present in population databases (gnomAD no frequency). This variant has not been reported in the literature in individuals affected with CTNNA1-related conditions. ClinVar contains an entry for this variant (Variation ID: 942813). Invitae Evidence Modeling of protein sequence and biophysical properties (such as structural, functional, and spatial information, amino acid conservation, physicochemical variation, residue mobility, and thermodynamic stability) indicates that this missense variant is not expected to disrupt CTNNA1 protein function with a negative predictive value of 80%. In summary, the available evidence is currently insufficient to determine the role of this variant in disease. Therefore, it has been classified as a Variant of Uncertain Significance.